The following is an entry in ClinVar:

NM_207122.2(EXT2):c.889C>G (p.Arg297Gly)

Gene: EXT2 (exostosin glycosyltransferase 2; plus strand). Cytogenetic location: 11p11.2.
Variant type: single nucleotide variant.
Coding change: c.889C>G on transcript NM_207122.2 (MANE Select); coding-DNA position 889, C replaced by G.
Protein change: p.Arg297Gly; replaces arginine 297 with glycine.
Molecular consequence: missense variant.
Genome position (GRCh38, 1-based): chr11:44,124,934, C>G. VCF-style: chr11-44124934-C-G. GRCh37 (hg19) VCF-style: chr11-44146484-C-G.
Other names: c.988C>G, p.Arg330Gly (NM_000401.3); c.889C>G, p.Arg297Gly (NM_001178083.3, NM_001389628.1, NM_001389630.1); short protein forms R330G, R297G.
Identifiers: ClinVar variation 4692259 (VCV004692259.1).

ClinVar aggregate classification (germline): Uncertain significance (1 of 4 stars; one submission).

Conditions:
Exostoses, multiple, type 2 (EXT2). Also called: Hereditary Multiple Osteochondromatosis, Type II; EXOSTOSES, MULTIPLE, TYPE II. Identifiers: Orphanet 321, MedGen C1851413, MONDO:0007586, OMIM 133701.

gnomAD v4.1: 1 of 1,613,776 alleles (0.000062%); highest among the groups gnomAD compares: African/African-American, 0.0013%; no homozygotes.

Submission:

Labcorp Genetics (formerly Invitae), Labcorp
Classification: Uncertain significance for Exostoses, multiple, type 2. Last evaluated: 2025-11-30. Review status: criteria provided, single submitter. Criteria: Invitae Variant Classification Sherloc (09022015). Collection method: clinical testing. Allele origin: germline.
Comment: This sequence change replaces arginine, which is basic and polar, with glycine, which is neutral and non-polar, at codon 297 of the EXT2 protein (p.Arg297Gly). This variant is not present in population databases (gnomAD no frequency). This variant has not been reported in the literature in individuals affected with EXT2-related conditions. Invitae Evidence Modeling of protein sequence and biophysical properties (such as structural, functional, and spatial information, amino acid conservation, physicochemical variation, residue mobility, and thermodynamic stability) indicates that this missense variant is not expected to disrupt EXT2 protein function with a negative predictive value of 95%. In summary, the available evidence is currently insufficient to determine the role of this variant in disease. Therefore, it has been classified as a Variant of Uncertain Significance.